The following is an entry in ClinVar:

ClinVar aggregate classification (germline): Uncertain significance (1 of 4 stars; one submission).

Conditions:
Arrhythmogenic right ventricular dysplasia 13. Also called: Arrhythmogenic right ventricular dysplasia, familial, 13; ARRHYTHMOGENIC RIGHT VENTRICULAR CARDIOMYOPATHY 13. Identifiers: MedGen C3810138, MONDO:0000908, OMIM 615616.

Submission:

Labcorp Genetics (formerly Invitae), Labcorp
Classification: Uncertain significance for Arrhythmogenic right ventricular dysplasia 13. Last evaluated: 2023-11-25. Review status: criteria provided, single submitter. Criteria: Invitae Variant Classification Sherloc (09022015). Collection method: clinical testing. Allele origin: germline.
Comment: This sequence change creates a premature translational stop signal (p.Asp529Glufs*6) in the CTNNA3 gene. It is expected to result in an absent or disrupted protein product. However, the current clinical and genetic evidence is not sufficient to establish whether loss-of-function variants in CTNNA3 cause disease. This variant is not present in population databases (gnomAD no frequency). This variant has not been reported in the literature in individuals affected with CTNNA3-related conditions. In summary, the available evidence is currently insufficient to determine the role of this variant in disease. Therefore, it has been classified as a Variant of Uncertain Significance.

NM_013266.4(CTNNA3):c.1577_1586dup (p.Asp529fs)

Gene: CTNNA3 (catenin alpha 3; minus strand). Cytogenetic location: 10q21.3.
Variant type: Duplication.
Coding change: c.1577_1586dup on transcript NM_013266.4 (MANE Select); coding-DNA positions 1577 to 1586, 10 bases duplicated (GAGACCAGGA; older notation c.1577_1586dupGAGACCAGGA).
Protein change: p.Asp529fs; shifts the reading frame from aspartic acid 529.
Molecular consequence: frameshift variant.
Genome position (GRCh38, 1-based): chr10:66,379,298-66,379,307, TCCTGGTCTC duplicated on the plus strand (GAGACCAGGA on the coding strand, the reverse complement: CTNNA3 is on the minus strand); duplicating any 10 consecutive bases within chr10:66,379,298-66,379,308 gives the same sequence; the c. name uses the placement nearest the transcript's 3' end. VCF-style (leftmost placement, unchanged base first): chr10-66379297-A-ATCCTGGTCTC. GRCh37 (hg19) VCF-style: chr10-68139055-A-ATCCTGGTCTC.
Other names: c.1577_1586dup, p.Asp529fs (NM_001127384.3); short protein forms D529fs.
Identifiers: ClinVar variation 2698938 (VCV002698938.3), dbSNP rs2547059633, ClinGen allele CA2697558424.
Genomic context (GRCh38, chr10:66,379,297, plus strand): 5'-GTGAGCAACTCTTGCTGCCCGGCCTCTGATAGCACCCGCAGCACGGTCTAAATTATCAGC[A>ATCCTGGTCTC]TCCTGGTCTCTTAAGGCTATGATACACTTGTTGACATCTTCCAAGATATGGCTTTCTGTA-3'